The following is an entry in ClinVar:

NM_005591.4(MRE11):c.928G>C (p.Glu310Gln)

Gene: MRE11 (MRE11 double strand break repair nuclease; minus strand). Cytogenetic location: 11q21.
Variant type: single nucleotide variant.
Coding change: c.928G>C on transcript NM_005591.4 (MANE Select); coding-DNA position 928, G replaced by C.
Protein change: p.Glu310Gln; replaces glutamic acid 310 with glutamine.
Molecular consequence: missense variant.
Genome position (GRCh38, 1-based): chr11:94,470,560, C>G on the plus strand (G>C on the coding strand, the complement: MRE11 is on the minus strand). VCF-style: chr11-94470560-C-G. GRCh37 (hg19) VCF-style: chr11-94203726-C-G.
Other names: c.928G>C, p.Glu310Gln (NM_001330347.2, NM_005590.4); short protein forms E310Q.
Identifiers: ClinVar variation 3224874 (VCV003224874.1), dbSNP rs2496483682, ClinGen allele CA382374438.

ClinVar aggregate classification (germline): Uncertain significance (1 of 4 stars; one submission).

Conditions:
Hereditary cancer-predisposing syndrome. Also called: Neoplastic Syndromes, Hereditary; Tumor predisposition; Hereditary neoplastic syndrome; Hereditary Cancer Syndrome. Identifiers: Orphanet 140162, MedGen C0027672, MeSH D009386, MONDO:0015356.

Submission:

Ambry Genetics
Classification: Uncertain significance for Hereditary cancer-predisposing syndrome. Last evaluated: 2023-11-16. Review status: criteria provided, single submitter. Criteria: Ambry Variant Classification Scheme 2023. Collection method: clinical testing. Allele origin: germline.
Comment: The p.E310Q variant (also known as c.928G>C), located in coding exon 8 of the MRE11A gene, results from a G to C substitution at nucleotide position 928. The glutamic acid at codon 310 is replaced by glutamine, an amino acid with highly similar properties. This amino acid position is conserved. In addition, this alteration is predicted to be tolerated by in silico analysis. Since supporting evidence is limited at this time, the clinical significance of this alteration remains unclear.